The following is an entry in ClinVar:

ClinVar aggregate classification (germline): Conflicting classifications of pathogenicity. Review status: criteria provided, conflicting classifications (1 of 4 stars). 2 submissions from 2 submitters: Uncertain significance (1); Benign (1). Last evaluated 2025-12-13.

Conditions:
KMT2D-related disorder. Also called: KMT2D-Related Disorders.
Kabuki syndrome. Also called: Kabuki make-up syndrome; NIIKAWA-KUROKI SYNDROME. Identifiers: Orphanet 2322, MedGen C0796004, MONDO:0016512.

Allele frequency attached by ClinVar (database versions not stated): ExAC 0.00001; gnomAD 0.00001; gnomAD exomes 0.00001; TOPMed 0.00002.
gnomAD v4.1: 6 of 1,586,654 alleles (0.00038%); highest among the groups gnomAD compares: Admixed American, 0.0034%; no homozygotes.

Submissions (2):

Labcorp Genetics (formerly Invitae), Labcorp
Classification: Benign for Kabuki syndrome. Last evaluated: 2025-12-13. Review status: criteria provided, single submitter. Criteria: Invitae Variant Classification Sherloc (09022015). Collection method: clinical testing. Allele origin: germline.

PreventionGenetics, part of Exact Sciences
Classification: Uncertain significance for KMT2D-related condition. Last evaluated: 2023-02-03. Review status: criteria provided, single submitter. Criteria: ACMG Guidelines, 2015. Collection method: clinical testing. Allele origin: germline.
Comment: The KMT2D c.3890G>A variant is predicted to result in the amino acid substitution p.Arg1297His. To our knowledge, this variant has not been reported in the literature. This variant is reported in 0.011% of alleles in individuals of East Asian descent in gnomAD. At this time, the clinical significance of this variant is uncertain due to the absence of conclusive functional and genetic evidence.

NM_003482.4(KMT2D):c.3890G>A (p.Arg1297His)

Genes: KMT2D (lysine methyltransferase 2D; minus strand), LOC126861520 (CDK7 strongly-dependent group 2 enhancer GRCh37_chr12:49442744-49443943; plus strand). Cytogenetic location: 12q13.12.
Variant type: single nucleotide variant.
Coding change: c.3890G>A on transcript NM_003482.4 (MANE Select); coding-DNA position 3890, G replaced by A.
Protein change: p.Arg1297His; replaces arginine 1297 with histidine.
Molecular consequence: missense variant.
Genome position (GRCh38, 1-based): chr12:49,049,698, C>T on the plus strand (G>A on the coding strand, the complement: KMT2D is on the minus strand). VCF-style: chr12-49049698-C-T. GRCh37 (hg19) VCF-style: chr12-49443481-C-T.
Other names: c.3890G>A (NM_003482.3); short protein forms R1297H.
Identifiers: ClinVar variation 1597288 (VCV001597288.11), dbSNP rs781156556, ClinGen allele CA6547967.
Genomic context (GRCh38, chr12:49,049,698, plus strand): 5'-GTGGGCTAACTCTAATCACATCCCGCAGCTAGATAGCCCCTCACCTGTTTGATGCGGGAA[C>T]GGGCTGGGGAGCTGCGCCGCCGCCCCTTCTCCCCCTCAGCTTTGCCTCCGCTGATAGCTG-3'
Protein context (NP_003473.3, residues 1287-1307): EKGRRRSSPA[Arg1297His]SRIKQGRSSS